The following is an entry in ClinVar:

NM_014991.6(WDFY3):c.6968del (p.Asp2323fs)

Gene: WDFY3 (WD repeat and FYVE domain containing 3; minus strand). Cytogenetic location: 4q21.23.
Variant type: Deletion.
Coding change: c.6968del on transcript NM_014991.6 (MANE Select); coding-DNA position 6968, one base deleted (A; older notation c.6968delA).
Protein change: p.Asp2323fs; shifts the reading frame from aspartic acid 2323.
Molecular consequence: frameshift variant.
Genome position (GRCh38, 1-based): chr4:84,735,068, T deleted on the plus strand (A on the coding strand, the reverse complement: WDFY3 is on the minus strand). VCF-style (leftmost placement, unchanged base first): chr4-84735067-AT-A. GRCh37 (hg19) VCF-style: chr4-85656220-AT-A.
Other names: short protein forms D2323fs.
Identifiers: ClinVar variation 4884239 (VCV004884239.2).

ClinVar aggregate classification (germline): Likely pathogenic (1 of 4 stars; one submission).

Conditions:
Microcephaly 18, primary, autosomal dominant (MCPH18). Identifiers: MedGen C4479608, MONDO:0054593, OMIM 617520.

Submission:

Dasa
Classification: Likely pathogenic for Microcephaly 18, primary, autosomal dominant. Last evaluated: 2026-04-20. Review status: criteria provided, single submitter. Criteria: DASA Assertion Criteria. Collection method: clinical testing. Allele origin: germline.
Comment: NM_014991.6(WDFY3):c.6968del (p.Asp2323Valfs*15) is a frameshift variant in WDFY3 predicted to alter the reading frame and introduce a premature termination codon and is predicted to result in an absent or altered protein product. Loss of function is an established disease mechanism for WDFY3 (PMID: 31327001; PMID: 27824329; PMID: 30564305). Also, this variant is absent from population databases. Based on the currently available evidence, this variant is classified as likely pathogenic.

Literature cited by the submitters: PubMed 31327001; PubMed 27824329; PubMed 30564305.